The following is an entry in ClinVar:

ClinVar aggregate classification (germline): Uncertain significance. Review status: criteria provided, multiple submitters, no conflicts (2 of 4 stars). 6 submissions from 6 submitters: Uncertain significance (4). 2 of the submissions do not count toward it. Last evaluated 2026-07-01.

Conditions:
TTN-related disorder. Also called: TTN-related disorders; TTN-related condition; TTN-related disease.

Allele frequency attached by ClinVar (database versions not stated): gnomAD 0.00004 and 0.00005; TOPMed 0.00005; gnomAD exomes 0.00001 and 0.00002; ExAC 0.00002.
gnomAD v4.1: 27 of 1,613,198 alleles (0.0017%); highest among the groups gnomAD compares: African/African-American, 0.0027%; no homozygotes.

Submissions (6):

CeGaT Center for Human Genetics Tuebingen
Classification: Uncertain significance. Last evaluated: 2026-07-01. Review status: criteria provided, single submitter. Criteria: CeGaT Center For Human Genetics Tuebingen Variant Classification Criteria Version 2. Collection method: clinical testing. Allele origin: germline. Affected: yes. Observed: 1 variant allele.
Comment: TTN: PM2, BP4

PreventionGenetics, part of Exact Sciences
Classification: Uncertain significance for TTN-related condition. Last evaluated: 2025-05-24. Review status: criteria provided, single submitter. Criteria: ACMG Guidelines, 2015. Collection method: clinical testing. Allele origin: germline.
Comment: The TTN c.84588A>C variant is predicted to result in the amino acid substitution p.Arg28196Ser. To our knowledge, this variant has not been reported in the literature. This variant is reported in 0.0065% of alleles in individuals of African descent in gnomAD. At this time, the clinical significance of this variant is uncertain due to the absence of conclusive functional and genetic evidence.

GeneDx
Classification: Uncertain significance. Last evaluated: 2025-05-19. Review status: criteria provided, single submitter. Criteria: GeneDx Variant Classification Process June 2021. Collection method: clinical testing. Allele origin: germline. Affected: yes.
Comment: Not observed at significant frequency in large population cohorts (gnomAD); Missense variant in a gene in which most reported pathogenic variants are truncating/loss of function; Has not been previously published as pathogenic or benign to our knowledge

Blueprint Genetics
Classification: Uncertain significance. Last evaluated: 2018-01-19. Review status: criteria provided, single submitter. Criteria: ACMG Guidelines, 2015. Collection method: clinical testing. Allele origin: germline.

Clinical Genetics, Academic Medical Center
Classification: Uncertain significance. Review status: no assertion criteria provided. Collection method: clinical testing. Allele origin: germline. Affected: yes. Study: VKGL Data-share Consensus. Not counted in ClinVar's aggregate classification.

Joint Genome Diagnostic Labs from Nijmegen and Maastricht, Radboudumc and MUMC+
Classification: Uncertain significance. Review status: no assertion criteria provided. Collection method: clinical testing. Allele origin: germline. Affected: yes. Study: VKGL Data-share Consensus. Not counted in ClinVar's aggregate classification.

NM_001267550.2(TTN):c.84588A>C (p.Arg28196Ser)

Genes: TTN (titin; minus strand), TTN-AS1 (TTN antisense RNA 1; plus strand). Cytogenetic location: 2q31.2.
Variant type: single nucleotide variant.
Coding change: c.84588A>C on transcript NM_001267550.2 (MANE Select); coding-DNA position 84588, A replaced by C.
Protein change: p.Arg28196Ser; replaces arginine 28196 with serine.
Molecular consequence: missense variant.
Genome position (GRCh38, 1-based): chr2:178,561,544, T>G on the plus strand (A>C on the coding strand, the complement: TTN is on the minus strand). VCF-style: chr2-178561544-T-G. GRCh37 (hg19) VCF-style: chr2-179426271-T-G.
Other names: c.84588A>C (NM_001267550.1); c.79665A>C, p.Arg26555Ser (NM_001256850.1); c.57393A>C, p.Arg19131Ser (NM_003319.4); c.76884A>C, p.Arg25628Ser (NM_133378.4); c.57768A>C, p.Arg19256Ser (NM_133432.3); c.57969A>C, p.Arg19323Ser (NM_133437.4); short protein forms R19131S, R19256S, R19323S, R25628S, R26555S, R28196S.
Identifiers: ClinVar variation 1284534 (VCV001284534.8), dbSNP rs773466308, ClinGen allele CA1988767.